The following is an entry in ClinVar:

NM_001165963.4(SCN1A):c.3948G>A (p.Arg1316=)

Genes: SCN1A (sodium voltage-gated channel alpha subunit 1; minus strand), LOC102724058 (uncharacterized LOC102724058; plus strand). Cytogenetic location: 2q24.3.
Variant type: single nucleotide variant.
Coding change: c.3948G>A on transcript NM_001165963.4 (MANE Select); coding-DNA position 3948, G replaced by A.
Protein change: p.Arg1316=; no amino-acid change (arginine 1316 retained).
Molecular consequence: synonymous variant. On other transcripts: non-coding transcript variant (1).
Genome position (GRCh38, 1-based): chr2:166,009,773, C>T on the plus strand (G>A on the coding strand, the complement: SCN1A is on the minus strand). VCF-style: chr2-166009773-C-T. GRCh37 (hg19) VCF-style: chr2-166866283-C-T.
Other names: p.R1316R:AGG>AGA; c.3948G>A (NM_001202435.1); c.3864G>A, p.Arg1288= (NM_001165964.3, NM_001353957.2, NM_001353958.2); c.3948G>A, p.Arg1316= (NM_001202435.3, NM_001353948.2); c.3915G>A, p.Arg1305= (NM_001353949.2, NM_001353950.2, NM_001353951.2 and 2 more transcripts); c.3912G>A, p.Arg1304= (NM_001353954.2, NM_001353955.2); c.3861G>A, p.Arg1287= (NM_001353960.2); c.1506G>A, p.Arg502= (NM_001353961.2).
Identifiers: ClinVar variation 138980 (VCV000138980.47), dbSNP rs149579028, ClinGen allele CA293180.

ClinVar aggregate classification (germline): Benign/Likely benign. Review status: criteria provided, multiple submitters, no conflicts (2 of 4 stars). 8 submissions from 8 submitters: Benign (2); Likely benign (5). 1 of the submissions does not count toward it. Last evaluated 2026-08-01.

Conditions:
SCN1A-related disorder. Also called: SCN1A-related disorders; SCN1A-related conditions; SCN1A-related condition.
Early-infantile DEE. Also called: Early infantile epileptic encephalopathy; Ohtahara syndrome; Early infantile epileptic encephalopathy with suppression bursts. Identifiers: Orphanet 1934, MedGen C0393706, MONDO:0800491.
Inborn genetic diseases. Identifiers: MedGen C0950123, MeSH D030342.

Allele frequency attached by ClinVar (database versions not stated): gnomAD exomes 0.00007 and 0.00020; ExAC 0.00025; 1000 Genomes Project 0.00060; 1000 Genomes Project 30x 0.00062; ESP Exome Variant Server 0.00062; gnomAD 0.00069 and 0.00073; TOPMed 0.00085.
gnomAD v4.1: 213 of 1,606,996 alleles (0.013%); highest among the groups gnomAD compares: African/African-American, 0.26%; no homozygotes.

Submissions (8):

CeGaT Center for Human Genetics Tuebingen
Classification: Likely benign. Last evaluated: 2026-08-01. Review status: criteria provided, single submitter. Criteria: CeGaT Center For Human Genetics Tuebingen Variant Classification Criteria Version 2. Collection method: clinical testing. Allele origin: germline. Affected: yes. Observed: 3 variant alleles.
Comment: SCN1A: BP4, BP7, BS1

Labcorp Genetics (formerly Invitae), Labcorp
Classification: Benign for Early-infantile DEE. Last evaluated: 2025-12-21. Review status: criteria provided, single submitter. Criteria: Invitae Variant Classification Sherloc (09022015). Collection method: clinical testing. Allele origin: germline.

Blueprint Genetics
Classification: Likely benign. Last evaluated: 2023-12-08. Review status: criteria provided, single submitter. Criteria: ACMG Guidelines, 2015. Collection method: clinical testing. Allele origin: germline.

Ambry Genetics
Classification: Likely benign for Inborn genetic diseases. Last evaluated: 2017-01-12. Review status: criteria provided, single submitter. Criteria: Ambry Variant Classification Scheme 2023. Collection method: clinical testing. Allele origin: germline.

Eurofins Ntd Llc (ga)
Classification: Likely benign. Last evaluated: 2016-06-04. Review status: criteria provided, single submitter. Criteria: EGL Classification Definitions 2015. Collection method: clinical testing. Allele origin: germline. Observed: 2 variant alleles, 2 heterozygotes.

GeneDx
Classification: Benign. Last evaluated: 2013-07-19. Review status: criteria provided, single submitter. Criteria: GeneDx Variant Classification (06012015). Collection method: clinical testing. Allele origin: germline. Affected: yes.
Comment: This variant is considered likely benign or benign based on one or more of the following criteria: it is a conservative change, it occurs at a poorly conserved position in the protein, it is predicted to be benign by multiple in silico algorithms, and/or has population frequency not consistent with disease.

Breakthrough Genomics
Classification: Likely benign. Review status: criteria provided, single submitter. Criteria: ACMG Guidelines, 2015. Collection method: not provided. Allele origin: germline. Inheritance: Autosomal dominant inheritance. Affected: yes.

PreventionGenetics, part of Exact Sciences
Classification: Likely benign for SCN1A-related condition. Last evaluated: 2019-10-28. Review status: no assertion criteria provided. Collection method: clinical testing. Allele origin: germline. Not counted in ClinVar's aggregate classification.
Comment: This variant is classified as likely benign based on ACMG/AMP sequence variant interpretation guidelines (Richards et al. 2015 PMID: 25741868, with internal and published modifications).